The following is an entry in ClinVar:

NM_020937.4(FANCM):c.2842A>C (p.Ser948Arg)

Gene: FANCM (FA complementation group M; plus strand). Cytogenetic location: 14q21.2.
Variant type: single nucleotide variant.
Coding change: c.2842A>C on transcript NM_020937.4 (MANE Select); coding-DNA position 2842, A replaced by C.
Protein change: p.Ser948Arg; replaces serine 948 with arginine.
Molecular consequence: missense variant.
Genome position (GRCh38, 1-based): chr14:45,175,596, A>C. VCF-style: chr14-45175596-A-C. GRCh37 (hg19) VCF-style: chr14-45644799-A-C.
Other names: c.2764A>C, p.Ser922Arg (NM_001308133.2); short protein forms S922R, S948R.
Identifiers: ClinVar variation 4841763 (VCV004841763.1).

ClinVar aggregate classification (germline): Uncertain significance (1 of 4 stars; one submission).

Conditions:
Inborn genetic diseases. Identifiers: MedGen C0950123, MeSH D030342.

gnomAD v4.1: 2 of 1,613,628 alleles (0.00012%); highest among the groups gnomAD compares: Non-Finnish European, 0.00017%; no homozygotes.

Submission:

Ambry Genetics
Classification: Uncertain significance for Inborn genetic diseases. Last evaluated: 2026-01-05. Review status: criteria provided, single submitter. Criteria: Ambry Variant Classification Scheme 2023. Collection method: clinical testing. Allele origin: germline.
Comment: The p.S948R variant (also known as c.2842A>C), located in coding exon 14 of the FANCM gene, results from an A to C substitution at nucleotide position 2842. The serine at codon 948 is replaced by arginine, an amino acid with dissimilar properties. This amino acid position is conserved. In addition, this alteration is predicted to be tolerated by in silico analysis. Based on the available evidence, the clinical significance of this variant remains unclear.